The following is an entry in ClinVar:

NM_000540.3(RYR1):c.400G>A (p.Val134Met)

Gene: RYR1 (ryanodine receptor 1; plus strand). Cytogenetic location: 19q13.2.
Variant type: single nucleotide variant.
Coding change: c.400G>A on transcript NM_000540.3 (MANE Select); coding-DNA position 400, G replaced by A.
Protein change: p.Val134Met; replaces valine 134 with methionine.
Molecular consequence: missense variant.
Genome position (GRCh38, 1-based): chr19:38,443,772, G>A. VCF-style: chr19-38443772-G-A. GRCh37 (hg19) VCF-style: chr19-38934412-G-A.
Other names: c.400G>A, p.Val134Met (NM_001042723.2); short protein forms V134M.
Identifiers: ClinVar variation 2435535 (VCV002435535.4), dbSNP rs746872391, ClinGen allele CA065484.

ClinVar aggregate classification (germline): Uncertain significance. Review status: criteria provided, multiple submitters, no conflicts (2 of 4 stars). 2 submissions from 2 submitters: Uncertain significance (2). Last evaluated 2025-08-17.

Conditions:
Malignant hyperthermia, susceptibility to, 1 (MHS1). Also called: Anesthesia related hyperthermia; Malignant hyperpyrexia; Fulminating hyperpyrexia; Pharmacogenic myopathy; Malignant hyperthermia suceptibility 1; RYR1-Related Malignant Hyperthermia Susceptibility. Identifiers: Orphanet 423, MedGen C2930980, MONDO:0007783, OMIM 145600.

Allele frequency attached by ClinVar (database versions not stated): gnomAD exomes below 0.00001; ExAC 0.00001; gnomAD 0.00001; TOPMed 0.00001.
gnomAD v4.1: 2 of 1,614,062 alleles (0.00012%); highest among the groups gnomAD compares: African/African-American, 0.0013%; no homozygotes.

Submissions (2):

Color Diagnostics, LLC DBA Color Health
Classification: Uncertain significance for Malignant hyperthermia, susceptibility to, 1. Last evaluated: 2025-08-17. Review status: criteria provided, single submitter. Criteria: ACMG Guidelines, 2015. Collection method: clinical testing. Allele origin: germline.
Comment: This missense variant replaces valine with methionine at codon 134 of the RYR1 protein. Computational prediction suggests that this variant may have deleterious impact on protein structure and function. To our knowledge, functional studies have not been reported for this variant. This variant has not been reported in individuals affected with RYR1-related disorders in the literature. This variant has been identified in 1/251354 chromosomes in the general population by the Genome Aggregation Database (gnomAD). The available evidence is insufficient to determine the role of this variant in disease conclusively. Therefore, this variant is classified as a Variant of Uncertain Significance.

Revvity Omics, Revvity
Classification: Uncertain significance. Last evaluated: 2020-02-04. Review status: criteria provided, single submitter. Criteria: ACMG Guidelines, 2015. Collection method: clinical testing. Allele origin: germline.